The following is an entry in ClinVar:

NM_004963.4(GUCY2C):c.203G>A (p.Arg68His)

Genes: GUCY2C (guanylate cyclase 2C; minus strand), GUCY2C-AS1 (GUCY2C antisense RNA 1; plus strand). Cytogenetic location: 12p12.3.
Variant type: single nucleotide variant.
Coding change: c.203G>A on transcript NM_004963.4 (MANE Select); coding-DNA position 203, G replaced by A.
Protein change: p.Arg68His; replaces arginine 68 with histidine.
Molecular consequence: missense variant.
Genome position (GRCh38, 1-based): chr12:14,696,246, C>T on the plus strand (G>A on the coding strand, the complement: GUCY2C is on the minus strand). VCF-style: chr12-14696246-C-T. GRCh37 (hg19) VCF-style: chr12-14849180-C-T.
Other names: short protein forms R68H.
Identifiers: ClinVar variation 1420315 (VCV001420315.8), dbSNP rs550836055, ClinGen allele CA6463828.

ClinVar aggregate classification (germline): Uncertain significance (1 of 4 stars; one submission).

Allele frequency attached by ClinVar (database versions not stated): ExAC 0.00005; 1000 Genomes Project 0.00040; 1000 Genomes Project 30x 0.00047.
gnomAD v4.1: 49 of 1,613,326 alleles (0.003%); highest among the groups gnomAD compares: African/African-American, 0.019%; no homozygotes.

Submission:

Labcorp Genetics (formerly Invitae), Labcorp
Classification: Uncertain significance. Last evaluated: 2025-09-25. Review status: criteria provided, single submitter. Criteria: Invitae Variant Classification Sherloc (09022015). Collection method: clinical testing. Allele origin: germline.
Comment: This sequence change replaces arginine, which is basic and polar, with histidine, which is basic and polar, at codon 68 of the GUCY2C protein (p.Arg68His). This variant is present in population databases (rs550836055, gnomAD 0.03%). This variant has not been reported in the literature in individuals affected with GUCY2C-related conditions. ClinVar contains an entry for this variant (Variation ID: 1420315). Invitae Evidence Modeling of protein sequence and biophysical properties (such as structural, functional, and spatial information, amino acid conservation, physicochemical variation, residue mobility, and thermodynamic stability) indicates that this missense variant is not expected to disrupt GUCY2C protein function with a negative predictive value of 80%. In summary, the available evidence is currently insufficient to determine the role of this variant in disease. Therefore, it has been classified as a Variant of Uncertain Significance.